The following is an entry in ClinVar:

NM_015450.3(POT1):c.1595-1_1596delinsAAT

Gene: POT1 (protection of telomeres 1; minus strand). Cytogenetic location: 7q31.33.
Variant type: Indel.
Coding change: c.1595-1_1596delinsAAT on transcript NM_015450.3 (MANE Select); the canonical splice acceptor site of the intron before coding-DNA position 1595 through coding-DNA position 1596, GCA replaced by AAT.
Molecular consequence: splice acceptor variant.
Genome position (GRCh38, 1-based): chr7:124,827,304-124,827,306, TGC replaced by ATT on the plus strand (GCA replaced by AAT on the coding strand, the reverse complement: POT1 is on the minus strand). VCF-style: chr7-124827304-TGC-ATT. GRCh37 (hg19) VCF-style: chr7-124467358-TGC-ATT.
Other names: c.1202-1_1203delinsAAT (NM_001042594.2).
Identifiers: ClinVar variation 4862398 (VCV004862398.1).

ClinVar aggregate classification (germline): Uncertain significance (1 of 4 stars; one submission).

Conditions:
Hereditary cancer-predisposing syndrome. Also called: Neoplastic Syndromes, Hereditary; Tumor predisposition; Hereditary Cancer Syndrome; Hereditary neoplastic syndrome. Identifiers: Orphanet 140162, MedGen C0027672, MeSH D009386, MONDO:0015356.

Submission:

Ambry Genetics
Classification: Uncertain significance for Hereditary cancer-predisposing syndrome. Last evaluated: 2026-05-08. Review status: criteria provided, single submitter. Criteria: Ambry Variant Classification Scheme 2023. Collection method: clinical testing. Allele origin: germline.
Comment: The c.1595-1_1596delGCAinsAAT variant results from a deletion of 3 nucleotides and insertion of 3 nucleotides at positions c.1595-1 to c.1596 and involves the canonical splice acceptor site before coding exon 13 of the POT1 gene. The canonical splice acceptor site is highly conserved in available vertebrate species. In silico splice site analysis predicts that this alteration will weaken the native splice acceptor site. A resulting transcript is predicted to be in-frame and is not expected to trigger nonsense-mediated mRNA decay. RNA studies have demonstrated that this variant results in a transcript predicted to lead to a protein with an in-frame deletion of 21 amino acids; however, the exact functional impact of the deleted amino acids is unknown at this time (Ambry internal data). Based on the available evidence, the clinical significance of this variant remains unclear.